The following is an entry in ClinVar:

NM_001127222.2(CACNA1A):c.4978C>T (p.Arg1660Cys)

Gene: CACNA1A (calcium voltage-gated channel subunit alpha1 A; minus strand). Cytogenetic location: 19p13.13.
Variant type: single nucleotide variant.
Coding change: c.4978C>T on transcript NM_001127222.2 (MANE Select); coding-DNA position 4978, C replaced by T.
Protein change: p.Arg1660Cys; replaces arginine 1660 with cysteine.
Molecular consequence: missense variant.
Genome position (GRCh38, 1-based): chr19:13,235,703, G>A on the plus strand (C>T on the coding strand, the complement: CACNA1A is on the minus strand). VCF-style: chr19-13235703-G-A. GRCh37 (hg19) VCF-style: chr19-13346517-G-A.
Other names: c.4996C>T, p.Arg1666Cys (NM_000068.4, NM_023035.3); c.4981C>T, p.Arg1661Cys (NM_001127221.2); c.4987C>T, p.Arg1663Cys (NM_001174080.2); short protein forms R1660C, R1661C, R1663C, R1666C.
Identifiers: ClinVar variation 1308366 (VCV001308366.12), dbSNP rs779576853, ClinGen allele CA9239858.
Genomic context (GRCh38, chr19:13,235,703, plus strand): 5'-GAATGCGGATGGTGTAACCCTGACGGAGAAGTTTGATGAGCCGGGCAGCTCGGAAGAGGC[G>A]GAGAAAGCTCAGGTTGATGAAGTTATTCTGGGGAGATGGAGGAAGAGGGGTGACCATCCA-3'
Protein context (NP_001120694.1, residues 1650-1670): GNNFINLSFL[Arg1660Cys]LFRAARLIKL

ClinVar aggregate classification (germline): Conflicting classifications of pathogenicity. Review status: criteria provided, conflicting classifications (1 of 4 stars). 4 submissions from 4 submitters: Likely pathogenic (3); Uncertain significance (1). Last evaluated 2026-01-23.

Conditions:
Developmental and epileptic encephalopathy, 42 (DEE42A). Also called: Epileptic encephalopathy, early infantile, 42; DEVELOPMENTAL AND EPILEPTIC ENCEPHALOPATHY 42A; EPILEPTIC ENCEPHALOPATHY, EARLY INFANTILE, 42A. Identifiers: MedGen C4310716, MONDO:0014917, OMIM 617106.
Episodic ataxia type 2 (EA2). Also called: ACETAZOLAMIDE-RESPONSIVE HEREDITARY PAROXYSMAL CEREBELLAR ATAXIA; ATAXIA, EPISODIC, WITH NYSTAGMUS; ATAXIA, FAMILIAL PAROXYSMAL; CEREBELLAR ATAXIA, PAROXYSMAL, ACETAZOLAMIDE-RESPONSIVE; CEREBELLOPATHY, HEREDITARY PAROXYSMAL; EPISODIC ATAXIA, NYSTAGMUS-ASSOCIATED. Identifiers: Orphanet 97, MedGen C1720416, MONDO:0007163, OMIM 108500.

Allele frequency attached by ClinVar (database versions not stated): gnomAD exomes 0.00001; ExAC 0.00002.
gnomAD v4.1: 8 of 1,613,740 alleles (0.0005%); highest among the groups gnomAD compares: South Asian, 0.0011%; no homozygotes.

Submissions (4):

Labcorp Genetics (formerly Invitae), Labcorp
Classification: Likely pathogenic for Developmental and epileptic encephalopathy, 42; Episodic ataxia type 2. Last evaluated: 2026-01-23. Review status: criteria provided, single submitter. Criteria: Invitae Variant Classification Sherloc (09022015). Collection method: clinical testing. Allele origin: germline.
Comment: This sequence change replaces arginine, which is basic and polar, with cysteine, which is neutral and slightly polar, at codon 1661 of the CACNA1A protein (p.Arg1661Cys). This variant is present in population databases (rs779576853, gnomAD 0.003%). This missense change has been observed in individual(s) with clinical features of CACNA1A-related conditions (internal data). ClinVar contains an entry for this variant (Variation ID: 1308366). Invitae Evidence Modeling of protein sequence and biophysical properties (such as structural, functional, and spatial information, amino acid conservation, physicochemical variation, residue mobility, and thermodynamic stability) indicates that this missense variant is expected to disrupt CACNA1A protein function with a positive predictive value of 95%. This variant disrupts the p.Arg1661 amino acid residue in CACNA1A. Other variant(s) that disrupt this residue have been determined to be pathogenic (PMID: 10987655, 29482223). This suggests that this residue is clinically significant, and that variants that disrupt this residue are likely to be disease-causing. In summary, the currently available evidence indicates that the variant is pathogenic, but additional data are needed to prove that conclusively. Therefore, this variant has been classified as Likely Pathogenic.

Institute of Medical Genetics and Applied Genomics, University Hospital Tübingen
Classification: Likely pathogenic for Developmental and epileptic encephalopathy, 42. Last evaluated: 2024-07-05. Review status: criteria provided, single submitter. Criteria: ACMG Guidelines, 2015. Collection method: clinical testing. Allele origin: germline. Inheritance: Autosomal dominant inheritance. Affected: yes.

GeneDx
Classification: Likely pathogenic. Last evaluated: 2022-12-02. Review status: criteria provided, single submitter. Criteria: GeneDx Variant Classification Process June 2021. Collection method: clinical testing. Allele origin: germline. Affected: yes.
Comment: Not observed at significant frequency in large population cohorts (gnomAD); In silico analysis, which includes protein predictors and evolutionary conservation, supports a deleterious effect; Has not been previously published as pathogenic or benign to our knowledge

Blueprint Genetics
Classification: Uncertain significance. Last evaluated: 2021-12-17. Review status: criteria provided, single submitter. Criteria: ACMG Guidelines, 2015. Collection method: clinical testing. Allele origin: germline.

Literature cited by the submitters: PubMed 10987655 (cited by Labcorp Genetics (formerly Invitae), Labcorp); PubMed 29482223 (cited by Labcorp Genetics (formerly Invitae), Labcorp).